The following is an entry in ClinVar:

ClinVar aggregate classification (germline): Benign/Likely benign. Review status: criteria provided, multiple submitters, no conflicts (2 of 4 stars). 7 submissions from 7 submitters: Benign (2); Likely benign (3). 2 of the submissions do not count toward it. Last evaluated 2026-01-12.

Conditions:
Alzheimer disease. Also called: Presenile and senile dementia; Alzheimer's disease. Identifiers: Orphanet 1020, MedGen C0002395, MeSH D000544, MONDO:0004975, HP:0002511.
APP-related disorder. Also called: APP-related condition.
Vascular dementia. Identifiers: MedGen C0011269, MeSH D015140, MONDO:0004648.

Allele frequency attached by ClinVar (database versions not stated): TOPMed 0.00045; 1000 Genomes Project 0.00060; 1000 Genomes Project 30x 0.00062; ESP Exome Variant Server 0.00069; gnomAD exomes 0.00092 and 0.00137; ExAC 0.00129; gnomAD 0.00135 and 0.00143.
gnomAD v4.1: 1,524 of 1,614,164 alleles (0.094%); highest among the groups gnomAD compares: Non-Finnish European, 0.077%; 5 homozygotes.

Submissions (7):

Labcorp Genetics (formerly Invitae), Labcorp
Classification: Benign for Alzheimer disease. Last evaluated: 2026-01-12. Review status: criteria provided, single submitter. Criteria: Invitae Variant Classification Sherloc (09022015). Collection method: clinical testing. Allele origin: germline.

CeGaT Center for Human Genetics Tuebingen
Classification: Likely benign. Last evaluated: 2025-09-01. Review status: criteria provided, single submitter. Criteria: CeGaT Center For Human Genetics Tuebingen Variant Classification Criteria Version 2. Collection method: clinical testing. Allele origin: germline. Affected: yes. Observed: 3 variant alleles.
Comment: APP: PP3, BS2

Women's Health and Genetics/Laboratory Corporation of America, LabCorp
Classification: Likely benign. Last evaluated: 2024-06-12. Review status: criteria provided, single submitter. Criteria: LabCorp Variant Classification Summary - May 2015. Collection method: clinical testing. Allele origin: germline.
Comment: Variant summary: APP c.1795G>A (p.Glu599Lys) results in a conservative amino acid change in the encoded protein sequence. Three of five in-silico tools predict a damaging effect of the variant on protein function. The variant allele was found at a global frequency of 0.00094 in 1614164 control chromosomes in the gnomAD database, including 5 homozygotes. This variant also at a high frequency among individuals of Finnish descent (subpopulation frequency 0.0087). c.1795G>A has been reported in the literature in the heterozygous state in at least 35/10405 affected individuals with various neurodegenerative conditions including Parkinson's disease, amyloidosis, Alzheimer's disease, dementia, Lewy body disease, vascular dementia, and cognitive/behavioral syndromes (example, Chen_2022, Chyra Kufova_2018, Cruchaga_2012, Geiger_2016, Ghani_2015, Ibanez_2018, Monkare_2021, Nicolas_2018, Perrone_2020, Picillo_2021, Rehker_2017, Salemi_2023, Sassi_2014, Schulte_2015). It has also been reported in 57/27125 control individuals from these studies. A Chi-squared test (Yates correlation, 2-tailed) resulted in a Chi-squared value of 4.398 with 1 degree of freedom (p value=0.036). The calculated odds ratio was 1.60074. These data suggest a possible association of this variant with late-onset neurodegenerative disease. However, the reported phenotypes among affected individuals were not all consistent with APP-related conditions, the number of affected cases and p value are not sufficient to meet current risk allele recommendations (PMID: 38054408), and the early-onset/highly penetrant nature of APP-related Alzheimer's disease conflicts with the lack of pedigree information for this variant. At least one in vitro assay showed an increased ratio of Abeta42 (toxic)/Abeta40 protein in mouse neuroblastoma cells however this does not allow convincing conclusions about the variant effect as the overall Abeta protein levels were below those in wild type controls (example, Hsu_2020). The following publications have been ascertained in the context of this evaluation (PMID: 35861376, 29455155, 22312439, 27312774, 25174650, 32087291, 29692703, 33268848, 30114415, 26242991, 32917274, 33601107, 28985224, 38137339, 25104557, 25604855). ClinVar contains an entry for this variant (Variation ID: 585430). Based on the evidence outlined above, the variant was classified as likely benign.

Illumina Laboratory Services, Illumina
Classification: Likely benign for Alzheimer disease type 1. Last evaluated: 2018-01-13. Review status: criteria provided, single submitter. Criteria: ICSL Variant Classification Criteria 13 December 2019. Collection method: clinical testing. Allele origin: germline.
Comment: This variant was observed in the ICSL laboratory as part of a predisposition screen in an ostensibly healthy population. It had not been previously curated by ICSL or reported in the Human Gene Mutation Database (HGMD: prior to June 1st, 2018), and was therefore a candidate for classification through an automated scoring system. Utilizing variant allele frequency, disease prevalence and penetrance estimates, and inheritance mode, an automated score was calculated to assess if this variant is too frequent to cause the disease. Based on the score and internal cut-off values, a variant classified as likely benign is not then subjected to further curation. The score for this variant resulted in a classification of likely benign for this disease.

Athena Diagnostics
Classification: Benign. Last evaluated: 2017-11-28. Review status: criteria provided, single submitter. Criteria: Athena Diagnostics Criteria. Collection method: clinical testing. Allele origin: germline.

PreventionGenetics, part of Exact Sciences
Classification: Likely benign for APP-related condition. Last evaluated: 2021-12-31. Review status: no assertion criteria provided. Collection method: clinical testing. Allele origin: germline. Not counted in ClinVar's aggregate classification.
Comment: This variant is classified as likely benign based on ACMG/AMP sequence variant interpretation guidelines (Richards et al. 2015 PMID: 25741868, with internal and published modifications).

Myllykangas group, University of Helsinki
Classification: Uncertain significance for Vascular dementia. Last evaluated: 2020-04-01. Review status: no assertion criteria provided. Collection method: research. Allele origin: germline. Affected: yes. Not counted in ClinVar's aggregate classification.

Literature cited by the submitters: PubMed 29455155 (cited by Women's Health and Genetics/Laboratory Corporation of America, LabCorp); PubMed 27312774 (cited by Women's Health and Genetics/Laboratory Corporation of America, LabCorp and Athena Diagnostics); PubMed 32917274 (cited by Women's Health and Genetics/Laboratory Corporation of America, LabCorp); PubMed 25174650 (cited by Women's Health and Genetics/Laboratory Corporation of America, LabCorp and Athena Diagnostics); PubMed 29692703 (cited by Women's Health and Genetics/Laboratory Corporation of America, LabCorp); PubMed 35861376 (cited by Women's Health and Genetics/Laboratory Corporation of America, LabCorp); PubMed 22312439 (cited by Women's Health and Genetics/Laboratory Corporation of America, LabCorp and Athena Diagnostics); PubMed 25604855 (cited by Women's Health and Genetics/Laboratory Corporation of America, LabCorp and Athena Diagnostics); PubMed 33268848 (cited by Women's Health and Genetics/Laboratory Corporation of America, LabCorp and Myllykangas group, University of Helsinki); PubMed 28985224 (cited by Women's Health and Genetics/Laboratory Corporation of America, LabCorp); PubMed 32087291 (cited by Women's Health and Genetics/Laboratory Corporation of America, LabCorp); PubMed 38137339 (cited by Women's Health and Genetics/Laboratory Corporation of America, LabCorp); PubMed 30114415 (cited by Women's Health and Genetics/Laboratory Corporation of America, LabCorp); PubMed 26242991 (cited by Women's Health and Genetics/Laboratory Corporation of America, LabCorp and Athena Diagnostics); PubMed 33601107 (cited by Women's Health and Genetics/Laboratory Corporation of America, LabCorp); PubMed 25104557 (cited by Women's Health and Genetics/Laboratory Corporation of America, LabCorp and Athena Diagnostics).

NM_000484.4(APP):c.1795G>A (p.Glu599Lys)

Gene: APP (amyloid beta precursor protein; minus strand). Cytogenetic location: 21q21.3.
Variant type: single nucleotide variant.
Coding change: c.1795G>A on transcript NM_000484.4 (MANE Select); coding-DNA position 1795, G replaced by A.
Protein change: p.Glu599Lys; replaces glutamic acid 599 with lysine.
Molecular consequence: missense variant.
Genome position (GRCh38, 1-based): chr21:25,911,855, C>T on the plus strand (G>A on the coding strand, the complement: APP is on the minus strand). VCF-style: chr21-25911855-C-T. GRCh37 (hg19) VCF-style: chr21-27284167-C-T.
Other names: c.1723G>A, p.Glu575Lys (NM_001136016.3); c.1402G>A, p.Glu468Lys (NM_001136129.3); c.1627G>A, p.Glu543Lys (NM_001136130.3, NM_001385253.1); c.1465G>A, p.Glu489Lys (NM_001136131.3); c.1795G>A, p.Glu599Lys (NM_001204301.2); c.1738G>A, p.Glu580Lys (NM_001204302.2, NM_201413.3); c.1570G>A, p.Glu524Lys (NM_001204303.2, NM_201414.3); short protein forms E599K, E489K, E575K, E468K, E524K, E543K, E580K.
Identifiers: ClinVar variation 585430 (VCV000585430.53), dbSNP rs140304729, ClinGen allele CA9987194.